The following is an entry in ClinVar:

ClinVar aggregate classification (germline): Pathogenic. Review status: reviewed by expert panel (3 of 4 stars). 4 submissions from 4 submitters: Pathogenic (1). 3 of the submissions do not count toward it. Last evaluated 2025-08-14.

Conditions:
Neuromuscular disease caused by qualitative or quantitative defects of dysferlin. Also called: Dysferlinopathy; Qualitative or quantitative defects of dysferlin. Identifiers: Orphanet 207073, MedGen C2931687, MONDO:0016145.
Autosomal recessive limb-girdle muscular dystrophy. Identifiers: Orphanet 102015, MedGen C2931907, MONDO:0015152.
Autosomal recessive limb-girdle muscular dystrophy type 2B (LGMDR2). Also called: Limb-girdle muscular dystrophy, type 2B; MUSCULAR DYSTROPHY, LIMB-GIRDLE, AUTOSOMAL RECESSIVE 2; Limb-Girdle Muscular Dystrophy Type 2B (LGMD2B); MUSCULAR DYSTROPHY, LIMB-GIRDLE, TYPE 3. Identifiers: Orphanet 268, MedGen C1850889, MONDO:0009676, OMIM 253601.

Submissions (4):

ClinGen Limb Girdle Muscular Dystrophy Variant Curation Expert Panel, ClinGen
Classification: Pathogenic for Autosomal recessive limb-girdle muscular dystrophy. Last evaluated: 2025-08-14. Review status: reviewed by expert panel. Criteria: ClinGen LGMD VCEP ACMG Specifications DYSF V2.0.0. Collection method: curation. Allele origin: germline. Inheritance: Autosomal recessive inheritance.
Comment: The NM_003494.4: c.4705C>T p.(Gln1569Ter) variant in DYSF, which is also known as NM_001130987.2: c.4822C>T (p.Gln1608Ter), is a nonsense variant predicted to cause a premature stop codon in biologically relevant exon 43/55, leading to nonsense mediated decay in a gene in which loss of function is an established disease mechanism (PVS1). This variant has been identified in two individuals with clinically suspected limb-girdle muscular dystrophy (LGMD), both of whom had the same second variant, NM_003494.4: c.5804C>T p.(Pro1935Leu), which is classified as Pathogenic by the LGMD VCEP. In one case, the variants were confirmed in trans (1.0 pt, ClinVar SCV001164498.1 internal data communication), whereas in the other the variants were in unknown phase (0.5 pts, GRASP-LGMD Consortium internal data communication) (PM3, PP4). This variant is absent from gnomAD v4.1.0 (PM2_Supporting). In summary, this variant meets the criteria to be classified as Pathogenic for autosomal recessive limb-girdle muscular dystrophy based on the ACMG/AMP criteria applied, as specified by the ClinGen LGMD VCEP (LGMD VCEP specifications version 2.0.0; 08/14/2025): PVS1, PM2_Supporting, PM3, PP4.

Natera, Inc.
Classification: Likely pathogenic for Limb-girdle muscular dystrophy type 2B. Last evaluated: 2026-01-06. Review status: criteria provided, single submitter. Criteria: Natera Variant Classification Schema (03/2026). Collection method: clinical testing. Allele origin: germline. Not counted in ClinVar's aggregate classification.
Comment: The c.4705C>T variant in DYSF is a nonsense variant predicted to introduce a stop codon at amino acid 1569. This variant is expected to result in nonsense mediated decay, truncation, or a dysfunctional protein product. This variant is rare in the general population with a frequency below the threshold expected for the associated phenotype(s). Given the available evidence, this variant is classified as Likely Pathogenic.

Labcorp Genetics (formerly Invitae), Labcorp
Classification: Pathogenic for Neuromuscular disease caused by qualitative or quantitative defects of dysferlin. Last evaluated: 2025-08-21. Review status: criteria provided, single submitter. Criteria: Invitae Variant Classification Sherloc (09022015). Collection method: clinical testing. Allele origin: germline. Not counted in ClinVar's aggregate classification.
Comment: This sequence change creates a premature translational stop signal (p.Gln1569*) in the DYSF gene. It is expected to result in an absent or disrupted protein product. Loss-of-function variants in DYSF are known to be pathogenic (PMID: 17698709, 20301480). This variant is not present in population databases (gnomAD no frequency). This variant has not been reported in the literature in individuals affected with DYSF-related conditions. ClinVar contains an entry for this variant (Variation ID: 813970). For these reasons, this variant has been classified as Pathogenic.

Broad Center for Mendelian Genomics, Broad Institute of MIT and Harvard
Classification: Likely pathogenic for Autosomal recessive limb-girdle muscular dystrophy type 2B. Last evaluated: 2018-12-03. Review status: criteria provided, single submitter. Criteria: ACMG Guidelines, 2015. Collection method: research. Allele origin: germline. Inheritance: Autosomal recessive inheritance. Affected: yes. Not counted in ClinVar's aggregate classification.
Comment: This nonsense variant leads to a premature termination codon at position 1608, which is predicted to lead to a truncated or absent protein. Loss of function of the DYSF gene is an established disease mechanism in autosomal recessive LGMD. In summary, although additional studies are required to fully establish its clinical significance, this variant is likely pathogenic. ACMG/AMP Criteria applied: PM2, PVS1 (Richards 2015).

Literature cited by the submitters: PubMed 17698709 (cited by Labcorp Genetics (formerly Invitae), Labcorp); PubMed 20301480 (cited by Labcorp Genetics (formerly Invitae), Labcorp).

NM_001130987.2(DYSF):c.4822C>T (p.Gln1608Ter)

Gene: DYSF (dysferlin; plus strand). Cytogenetic location: 2p13.2.
Variant type: single nucleotide variant.
Coding change: c.4822C>T on transcript NM_001130987.2 (MANE Select); coding-DNA position 4822, C replaced by T.
Protein change: p.Gln1608Ter; replaces glutamine 1608 with a stop codon.
Molecular consequence: nonsense.
Genome position (GRCh38, 1-based): chr2:71,658,944, C>T. VCF-style: chr2-71658944-C-T. GRCh37 (hg19) VCF-style: chr2-71886074-C-T.
Other names: NM_001130987.2(DYSF):c.4822C>T; c.4708C>T, p.Gln1570Ter (NM_001130455.2); c.4663C>T, p.Gln1555Ter (NM_001130976.2); c.4726C>T, p.Gln1576Ter (NM_001130977.2); c.4768C>T, p.Gln1590Ter (NM_001130978.2); c.4798C>T, p.Gln1600Ter (NM_001130979.2); c.4756C>T, p.Gln1586Ter (NM_001130980.2); c.4819C>T, p.Gln1607Ter (NM_001130981.2); and 7 more; short protein forms Q1556*, Q1570*, Q1576*, Q1577*, Q1587*, Q1590*, Q1555*, Q1586*.
Identifiers: ClinVar variation 813970 (VCV000813970.9), dbSNP rs1573009747, ClinGen allele CA347219737.